The following is an entry in ClinVar:

ClinVar aggregate classification (germline): Uncertain significance (1 of 4 stars; one submission).

Conditions:
Cardiovascular phenotype. Identifiers: MedGen CN230736.

Submission:

Ambry Genetics
Classification: Uncertain significance for Cardiovascular phenotype. Last evaluated: 2025-04-23. Review status: criteria provided, single submitter. Criteria: Ambry Variant Classification Scheme 2023. Collection method: clinical testing. Allele origin: germline.
Comment: The p.S1010I variant (also known as c.3029G>T), located in coding exon 22 of the LAMA4 gene, results from a G to T substitution at nucleotide position 3029. The serine at codon 1010 is replaced by isoleucine, an amino acid with dissimilar properties. This amino acid position is highly conserved in available vertebrate species. In addition, this alteration is predicted to be deleterious by in silico analysis. Based on the available evidence, the clinical significance of this variant remains unclear.

NM_001105206.3(LAMA4):c.3050G>T (p.Ser1017Ile)

Gene: LAMA4 (laminin subunit alpha 4; minus strand). Cytogenetic location: 6q21.
Variant type: single nucleotide variant.
Coding change: c.3050G>T on transcript NM_001105206.3 (MANE Select); coding-DNA position 3050, G replaced by T.
Protein change: p.Ser1017Ile; replaces serine 1017 with isoleucine.
Molecular consequence: missense variant.
Genome position (GRCh38, 1-based): chr6:112,139,812, C>A on the plus strand (G>T on the coding strand, the complement: LAMA4 is on the minus strand). VCF-style: chr6-112139812-C-A. GRCh37 (hg19) VCF-style: chr6-112461014-C-A.
Other names: c.3029G>T, p.Ser1010Ile (NM_001105207.3, NM_002290.5); short protein forms S1017I, S1010I.
Identifiers: ClinVar variation 4045945 (VCV004045945.1).